The following is an entry in ClinVar:

NM_000135.4(FANCA):c.2741G>C (p.Arg914Thr)

Gene: FANCA (FA complementation group A; minus strand). Cytogenetic location: 16q24.3.
Variant type: single nucleotide variant.
Coding change: c.2741G>C on transcript NM_000135.4 (MANE Select); coding-DNA position 2741, G replaced by C.
Protein change: p.Arg914Thr; replaces arginine 914 with threonine.
Molecular consequence: missense variant.
Genome position (GRCh38, 1-based): chr16:89,764,927, C>G on the plus strand (G>C on the coding strand, the complement: FANCA is on the minus strand). VCF-style: chr16-89764927-C-G. GRCh37 (hg19) VCF-style: chr16-89831335-C-G.
Other names: c.2741G>C (LRG_495t1); c.2741G>C, p.Arg914Thr (NM_001286167.3); short protein forms R914T.
Identifiers: ClinVar variation 662807 (VCV000662807.8), dbSNP rs748454613, ClinGen allele CA8251580.

ClinVar aggregate classification (germline): Uncertain significance. Review status: criteria provided, multiple submitters, no conflicts (2 of 4 stars). 3 submissions from 3 submitters: Uncertain significance (2). 1 of the submissions does not count toward it. Last evaluated 2024-08-30.

Conditions:
Fanconi anemia (FA). Also called: Fanconi's anemia. Identifiers: Orphanet 84, MedGen C0015625, MeSH D005199, MONDO:0019391.
Fanconi anemia complementation group A (FANCA). Also called: Fanconi anemia, group A; FANCA-Related Fanconi Anemia. Identifiers: Orphanet 84, MedGen C3469521, MONDO:0009215, OMIM 227650.

Allele frequency attached by ClinVar (database versions not stated): gnomAD 0.00001; TOPMed 0.00001; ExAC 0.00002; gnomAD exomes 0.00002 and 0.00003.
gnomAD v4.1: 40 of 1,614,070 alleles (0.0025%); highest among the groups gnomAD compares: South Asian, 0.0088%; no homozygotes.

Submissions (3):

Labcorp Genetics (formerly Invitae), Labcorp
Classification: Uncertain significance for Fanconi anemia. Last evaluated: 2024-08-30. Review status: criteria provided, single submitter. Criteria: Invitae Variant Classification Sherloc (09022015). Collection method: clinical testing. Allele origin: germline.
Comment: This sequence change replaces arginine, which is basic and polar, with threonine, which is neutral and polar, at codon 914 of the FANCA protein (p.Arg914Thr). This variant is present in population databases (rs748454613, gnomAD 0.004%). This variant has not been reported in the literature in individuals affected with FANCA-related conditions. ClinVar contains an entry for this variant (Variation ID: 662807). Invitae Evidence Modeling of protein sequence and biophysical properties (such as structural, functional, and spatial information, amino acid conservation, physicochemical variation, residue mobility, and thermodynamic stability) indicates that this missense variant is not expected to disrupt FANCA protein function with a negative predictive value of 80%. In summary, the available evidence is currently insufficient to determine the role of this variant in disease. Therefore, it has been classified as a Variant of Uncertain Significance.

Fulgent Genetics
Classification: Uncertain significance for Fanconi anemia complementation group A. Last evaluated: 2021-12-15. Review status: criteria provided, single submitter. Criteria: ACMG Guidelines, 2015. Collection method: clinical testing. Allele origin: unknown.

Natera, Inc.
Classification: Uncertain significance for Fanconi anemia. Last evaluated: 2020-10-07. Review status: no assertion criteria provided. Collection method: clinical testing. Allele origin: germline. Not counted in ClinVar's aggregate classification.